The following is an entry in ClinVar:

ClinVar aggregate classification (germline): Likely benign (1 of 4 stars; one submission).

Submission:

CeGaT Center for Human Genetics Tuebingen
Classification: Likely benign. Last evaluated: 2026-05-01. Review status: criteria provided, single submitter. Criteria: CeGaT Center For Human Genetics Tuebingen Variant Classification Criteria Version 2. Collection method: clinical testing. Allele origin: germline. Affected: yes. Observed: 1 variant allele.
Comment: RHOBTB2: PM2:Supporting, BP4, BP7

NM_015178.3(RHOBTB2):c.1896C>T (p.Leu632=)

Gene: RHOBTB2 (Rho related BTB domain containing 2; plus strand). Cytogenetic location: 8p21.3.
Variant type: single nucleotide variant.
Coding change: c.1896C>T on transcript NM_015178.3 (MANE Select); coding-DNA position 1896, C replaced by T.
Protein change: p.Leu632=; no amino-acid change (leucine 632 retained).
Molecular consequence: synonymous variant.
Genome position (GRCh38, 1-based): chr8:23,015,673, C>T. VCF-style: chr8-23015673-C-T. GRCh37 (hg19) VCF-style: chr8-22873186-C-T.
Other names: c.1962C>T, p.Leu654= (NM_001160036.2); c.1917C>T, p.Leu639= (NM_001160037.2); c.1896C>T, p.Leu632= (NM_001374791.1).
Identifiers: ClinVar variation 4873552 (VCV004873552.2).
Genomic context (GRCh38, chr8:23,015,673, plus strand): 5'-AGACGTTCTTCCCTTCTGTCCCCAGTTCCACTGTGCGTACCAGCTGGCCGACTGGTGTCT[C>T]CACCACATCTGCACCAACTACAACAACGTGTGCCGCAAGTTCCCCCGAGACATGAAGGCC-3'
Protein context (NP_055993.2, residues 622-642): HCAYQLADWC[Leu632=]HHICTNYNNV